The following is an entry in ClinVar:

ClinVar aggregate classification (germline): Uncertain significance (1 of 4 stars; one submission).

Submission:

Labcorp Genetics (formerly Invitae), Labcorp
Classification: Uncertain significance. Last evaluated: 2024-08-27. Review status: criteria provided, single submitter. Criteria: Invitae Variant Classification Sherloc (09022015). Collection method: clinical testing. Allele origin: germline.
Comment: This sequence change falls in intron 12 of the POLE gene. It does not directly change the encoded amino acid sequence of the POLE protein. RNA analysis indicates that this variant induces altered splicing and may result in an absent or altered protein product. This variant is not present in population databases (gnomAD no frequency). This variant has not been reported in the literature in individuals affected with POLE-related conditions. Variants that disrupt the consensus splice site are a relatively common cause of aberrant splicing (PMID: 17576681, 9536098). Studies have shown that this variant results in activation of a cryptic splice site, and produces a non-functional protein and/or introduces a premature termination codon (internal data). In summary, the available evidence is currently insufficient to determine the role of this variant in disease. Therefore, it has been classified as a Variant of Uncertain Significance.

Literature cited by the submitters: PubMed 17576681; PubMed 9536098.

NM_006231.4(POLE):c.1226+5G>A

Gene: POLE (DNA polymerase epsilon, catalytic subunit; minus strand). Cytogenetic location: 12q24.33.
Variant type: single nucleotide variant.
Coding change: c.1226+5G>A on transcript NM_006231.4 (MANE Select); 5 bases into the intron after coding-DNA position 1226, G replaced by A.
Molecular consequence: intron variant.
Genome position (GRCh38, 1-based): chr12:132,675,393, C>T on the plus strand (G>A on the coding strand, the complement: POLE is on the minus strand). VCF-style: chr12-132675393-C-T. GRCh37 (hg19) VCF-style: chr12-133251979-C-T.
Identifiers: ClinVar variation 3663575 (VCV003663575.2).